The following is an entry in ClinVar:

NM_000531.6(OTC):c.128T>C (p.Leu43Pro)

Gene: OTC (ornithine transcarbamylase; plus strand). Cytogenetic location: Xp11.4.
Variant type: single nucleotide variant.
Coding change: c.128T>C on transcript NM_000531.6 (MANE Select); coding-DNA position 128, T replaced by C.
Protein change: p.Leu43Pro; replaces leucine 43 with proline.
Molecular consequence: missense variant.
Genome position (GRCh38, 1-based): chrX:38,367,341, T>C. VCF-style: chrX-38367341-T-C. GRCh37 (hg19) VCF-style: chrX-38226594-T-C.
Other names: short protein forms L43P.
Identifiers: ClinVar variation 933230 (VCV000933230.1), dbSNP rs2068301622, ClinGen allele CA412715997.

ClinVar aggregate classification (germline): Pathogenic (0 of 4 stars; one submission).

Conditions:
Ornithine carbamoyltransferase deficiency (OTCD). Also called: ORNITHINE TRANSCARBAMYLASE DEFICIENCY; Ornithine Carbamoyltransferase Deficiency Disease; OTC DEFICIENCY; ORNITHINE TRANSCARBAMYLASE DEFICIENCY, HYPERAMMONEMIA DUE TO. Identifiers: Orphanet 664, MedGen C0268542, MONDO:0010703, OMIM 311250.

Submission:

Molecular Genetics laboratory, Necker Hospital
Classification: Pathogenic for Ornithine carbamoyltransferase deficiency. Review status: no assertion criteria provided. Collection method: clinical testing. Allele origin: maternal. Inheritance: X-linked inheritance. Affected: yes.